The following is an entry in ClinVar:

NM_000179.3(MSH6):c.1960A>T (p.Met654Leu)

Gene: MSH6 (mutS homolog 6; plus strand). Cytogenetic location: 2p16.3.
Variant type: single nucleotide variant.
Coding change: c.1960A>T on transcript NM_000179.3 (MANE Select); coding-DNA position 1960, A replaced by T.
Protein change: p.Met654Leu; replaces methionine 654 with leucine.
Molecular consequence: missense variant.
Genome position (GRCh38, 1-based): chr2:47,799,943, A>T. VCF-style: chr2-47799943-A-T. GRCh37 (hg19) VCF-style: chr2-48027082-A-T.
Other names: c.1570A>T, p.Met524Leu (NM_001281492.2); c.1054A>T, p.Met352Leu (NM_001281493.2, NM_001281494.2, NM_001406811.1 and 6 more transcripts); c.2056A>T, p.Met686Leu (NM_001406795.1, NM_001406802.1); c.1960A>T, p.Met654Leu (NM_001406796.1, NM_001406798.1, NM_001406800.1 and 3 more transcripts); c.1663A>T, p.Met555Leu (NM_001406797.1, NM_001406801.1, NM_001406805.1 and 10 more transcripts); c.1435A>T, p.Met479Leu (NM_001406799.1, NM_001406806.1, NM_001406807.1); c.1882A>T, p.Met628Leu (NM_001406804.1); c.1966A>T, p.Met656Leu (NM_001406813.1); and 1 more; short protein forms M555L, M598L, M654L, M686L, M479L, M628L, M656L, M352L.
Identifiers: ClinVar variation 1783420 (VCV001783420.2), dbSNP rs1669399925, ClinGen allele CA346750579.
Genomic context (GRCh38, chr2:47,799,943, plus strand): 5'-TTGAGAACTCTCCTTGAGGAAGAATATTTTAGGGAAAAGCTAAGTGATGGCATTGGGGTG[A>T]TGTTACCCCAGGTGCTTAAAGGTATGACTTCAGAGTCTGATTCCATTGGGTTGACACCAG-3'
Protein context (NP_000170.1, residues 644-664): REKLSDGIGV[Met654Leu]LPQVLKGMTS

ClinVar aggregate classification (germline): Uncertain significance (1 of 4 stars; one submission).

Conditions:
Hereditary cancer-predisposing syndrome. Also called: Neoplastic Syndromes, Hereditary; Tumor predisposition; Hereditary Cancer Syndrome; Hereditary neoplastic syndrome. Identifiers: Orphanet 140162, MedGen C0027672, MeSH D009386, MONDO:0015356.

Submission:

Ambry Genetics
Classification: Uncertain significance for Hereditary cancer-predisposing syndrome. Last evaluated: 2022-06-16. Review status: criteria provided, single submitter. Criteria: Ambry Variant Classification Scheme 2023. Collection method: clinical testing. Allele origin: germline.
Comment: The p.M654L variant (also known as c.1960A>T), located in coding exon 4 of the MSH6 gene, results from an A to T substitution at nucleotide position 1960. The methionine at codon 654 is replaced by leucine, an amino acid with highly similar properties. This amino acid position is conserved. In addition, this alteration is predicted to be tolerated by in silico analysis. Since supporting evidence is limited at this time, the clinical significance of this alteration remains unclear.